The following is an entry in ClinVar:

NM_001164508.2(NEB):c.10297_10300dup (p.Ser3434Ter)

Gene: NEB (nebulin; minus strand). Cytogenetic location: 2q23.3.
Variant type: Microsatellite.
Coding change: c.10297_10300dup on transcript NM_001164508.2 (MANE Select); coding-DNA positions 10297 to 10300, 4 bases duplicated (GACT; older notation c.10297_10300dupGACT).
Protein change: p.Ser3434Ter; replaces serine 3434 with a stop codon.
Molecular consequence: nonsense.
Genome position (GRCh38, 1-based): chr2:151,627,049-151,627,052, AGTC duplicated on the plus strand (GACT on the coding strand, the reverse complement: NEB is on the minus strand); duplicating any 4 consecutive bases within chr2:151,627,049-151,627,057 gives the same sequence; the c. name uses the placement nearest the transcript's 3' end. VCF-style (leftmost placement, unchanged base first): chr2-151627048-G-GAGTC. GRCh37 (hg19) VCF-style: chr2-152483562-G-GAGTC.
Other names: c.10297_10300dup, p.Ser3434Ter (NM_001164507.2, NM_001271208.2); c.9568_9571dup, p.Ser3191Ter (NM_004543.5); short protein forms S3191*, S3434*.
Identifiers: ClinVar variation 4081751 (VCV004081751.1).

ClinVar aggregate classification (germline): Pathogenic (1 of 4 stars; one submission).

Conditions:
Nemaline myopathy 2 (NEM2). Also called: Nemaline myopathy 2, autosomal recessive. Identifiers: MedGen C1850569, MONDO:0009725, OMIM 256030.

Submission:

Myriad Genetics, Inc.
Classification: Pathogenic for Nemaline myopathy 2. Last evaluated: 2025-07-10. Review status: criteria provided, single submitter. Criteria: Myriad Autosomal Dominant, Autosomal Recessive and X-Linked Classification Criteria (2023). Collection method: clinical testing. Allele origin: unknown.
Comment: NM_001271208.1(NEB):c.10297_10300dupGACT(S3434*) is a frameshift variant classified as pathogenic in the context of NEB-related nemaline myopathy. S3434* has not been observed in cases with relevant disease. Relevant functional assessments of this variant are not available in the literature. S3434* has not been observed in referenced population frequency databases. In summary, NM_001271208.1(NEB):c.10297_10300dupGACT(S3434*) is a frameshift variant in a gene where loss of function is a known mechanism of disease and is predicted to disrupt protein function. Please note: this variant was assessed in the context of healthy population screening.